The following is an entry in ClinVar:

ClinVar aggregate classification (germline): Conflicting classifications of pathogenicity. Review status: criteria provided, conflicting classifications (1 of 4 stars). 2 submissions from 2 submitters: Uncertain significance (1); Likely benign (1). Last evaluated 2024-02-20.

Conditions:
Autosomal dominant childhood-onset proximal spinal muscular atrophy without contractures. Also called: KUGELBERG-WELANDER SYNDROME, AUTOSOMAL DOMINANT; SPINAL MUSCULAR ATROPHY, JUVENILE, PROXIMAL, AUTOSOMAL DOMINANT; Spinal muscular atrophy, lower extremity-predominant 1, AD; SPINAL MUSCULAR ATROPHY, CHILDHOOD, PROXIMAL, AUTOSOMAL DOMINANT. Identifiers: Orphanet 209341, Orphanet 363447, MedGen C5780022, MONDO:0008026, OMIM 158600.
Charcot-Marie-Tooth disease axonal type 2O. Also called: Charcot-Marie-Tooth disease, axonal, type 20; CHARCOT-MARIE-TOOTH NEUROPATHY, AXONAL, TYPE 2O; CHARCOT-MARIE-TOOTH DISEASE, AXONAL, AUTOSOMAL DOMINANT, TYPE 2O; Charcot-Marie-Tooth Neuropathy Type 2O. Identifiers: Orphanet 284232, MedGen C3280220, MONDO:0013644, OMIM 614228.
Cortical dysplasia, complex, with other brain malformations 13. Also called: Intellectual disability, autosomal dominant 13. Identifiers: MedGen C3281202, MONDO:0013805, OMIM 614563.

Allele frequency attached by ClinVar (database versions not stated): gnomAD exomes below 0.00001.
gnomAD v4.1: 1 of 1,614,178 alleles (0.000062%); highest among the groups gnomAD compares: Non-Finnish European, 0.000085%; no homozygotes.

Submissions (2):

Labcorp Genetics (formerly Invitae), Labcorp
Classification: Likely benign for Charcot-Marie-Tooth disease axonal type 2O. Last evaluated: 2024-02-20. Review status: criteria provided, single submitter. Criteria: Invitae Variant Classification Sherloc (09022015). Collection method: clinical testing. Allele origin: germline.

Center for Genomics, Ann and Robert H. Lurie Children's Hospital of Chicago
Classification: Uncertain significance for Charcot-Marie-Tooth disease axonal type 2O; Autosomal dominant childhood-onset proximal spinal muscular atrophy without contractures; Cortical dysplasia, complex, with other brain malformations 13. Review status: criteria provided, single submitter. Criteria: ACMG Guidelines, 2015. Collection method: clinical testing. Allele origin: germline.
Comment: DYNC1H1 NM_001376 exon 65 p.Thr4028Thr (c.12084C>G): This variant has not been reported in the literature and is not present in large control databases. Evolutionary conservation and computational predictive tools for this variant are limited or unavailable. Of note, this variant is a silent variant and does not change the amino acid, reducing the probability that this variant is disease causing. In summary, data on this variant is insufficient for disease classification. Therefore, the clinical significance of this variant is uncertain.

NM_001376.5(DYNC1H1):c.12084C>G (p.Thr4028=)

Gene: DYNC1H1 (dynein cytoplasmic 1 heavy chain 1; plus strand). Cytogenetic location: 14q32.31.
Variant type: single nucleotide variant.
Coding change: c.12084C>G on transcript NM_001376.5 (MANE Select); coding-DNA position 12084, C replaced by G.
Protein change: p.Thr4028=; no amino-acid change (threonine 4028 retained).
Molecular consequence: synonymous variant.
Genome position (GRCh38, 1-based): chr14:102,041,716, C>G. VCF-style: chr14-102041716-C-G. GRCh37 (hg19) VCF-style: chr14-102508053-C-G.
Identifiers: ClinVar variation 625932 (VCV000625932.8), dbSNP rs1446298826, ClinGen allele CA487968826.